The following is an entry in ClinVar:

NM_001349253.2(SCN11A):c.63C>T (p.Ser21=)

Gene: SCN11A (sodium voltage-gated channel alpha subunit 11; minus strand). Cytogenetic location: 3p22.2.
Variant type: single nucleotide variant.
Coding change: c.63C>T on transcript NM_001349253.2 (MANE Select); coding-DNA position 63, C replaced by T.
Protein change: p.Ser21=; no amino-acid change (serine 21 retained).
Molecular consequence: synonymous variant.
Genome position (GRCh38, 1-based): chr3:38,950,300, G>A on the plus strand (C>T on the coding strand, the complement: SCN11A is on the minus strand). VCF-style: chr3-38950300-G-A. GRCh37 (hg19) VCF-style: chr3-38991791-G-A.
Other names: c.63C>T, p.Ser21= (NM_014139.3).
Identifiers: ClinVar variation 706748 (VCV000706748.11), dbSNP rs533627437, ClinGen allele CA2322786.

ClinVar aggregate classification (germline): Benign/Likely benign. Review status: criteria provided, multiple submitters, no conflicts (2 of 4 stars). 2 submissions from 2 submitters: Benign (1); Likely benign (1). Last evaluated 2026-03-18.

Conditions:
Familial episodic pain syndrome with predominantly lower limb involvement. Also called: Episodic pain syndrome, familial, 3. Identifiers: Orphanet 391384, Orphanet 391392, MedGen C3809899, MONDO:0014247, OMIM 615552.
Hereditary sensory and autonomic neuropathy type 7. Also called: HSAN VII; Neuropathy, hereditary sensory and autonomic, type VII. Identifiers: Orphanet 391397, MedGen C3809882, MONDO:0014244, OMIM 615548.
SCN11A-related disorder. Also called: SCN11A-related condition.

Allele frequency attached by ClinVar (database versions not stated): gnomAD 0.00001; TOPMed 0.00007; gnomAD exomes 0.00014; 1000 Genomes Project 30x 0.00016; ExAC 0.00016; 1000 Genomes Project 0.00020.
gnomAD v4.1: 42 of 1,614,000 alleles (0.0026%); highest among the groups gnomAD compares: Admixed American, 0.065%; no homozygotes.

Submissions (2):

PreventionGenetics, part of Exact Sciences
Classification: Likely benign for SCN11A-related condition. Last evaluated: 2026-03-18. Review status: criteria provided, single submitter. Criteria: ACMG Guidelines, 2015. Collection method: clinical testing. Allele origin: germline.
Comment: This variant is classified as likely benign based on ACMG/AMP sequence variant interpretation guidelines (Richards et al. 2015 PMID: 25741868, with internal and published modifications).

Labcorp Genetics (formerly Invitae), Labcorp
Classification: Benign for Familial episodic pain syndrome with predominantly lower limb involvement; Hereditary sensory and autonomic neuropathy type 7. Last evaluated: 2026-01-19. Review status: criteria provided, single submitter. Criteria: Invitae Variant Classification Sherloc (09022015). Collection method: clinical testing. Allele origin: germline.